The following is an entry in ClinVar:

NM_024490.4(ATP10A):c.2956A>T (p.Asn986Tyr)

Gene: ATP10A (ATPase phospholipid transporting 10A (putative); minus strand). Cytogenetic location: 15q12.
Variant type: single nucleotide variant.
Coding change: c.2956A>T on transcript NM_024490.4 (MANE Select); coding-DNA position 2956, A replaced by T.
Protein change: p.Asn986Tyr; replaces asparagine 986 with tyrosine.
Molecular consequence: missense variant.
Genome position (GRCh38, 1-based): chr15:25,694,951, T>A on the plus strand (A>T on the coding strand, the complement: ATP10A is on the minus strand). VCF-style: chr15-25694951-T-A. GRCh37 (hg19) VCF-style: chr15-25940098-T-A.
Other names: short protein forms N986Y.
Identifiers: ClinVar variation 2630268 (VCV002630268.2), dbSNP rs2504026087, ClinGen allele CA391364157.
Genomic context (GRCh38, chr15:25,694,951, plus strand): 5'-ACCGACAGCAGAGGACGGAGCGGCACTGCTTGGCAAGGAAGAGGAATTTGTCCTCCAGGT[T>A]TTTCTCGAGAGCGTAGGCCAGGCTTCTCCCATCGATCACGAGGCTGGGTCTGCGGCCAGA-3'
Protein context (NP_077816.1, residues 976-996): GRSLAYALEK[Asn986Tyr]LEDKFLFLAK

ClinVar aggregate classification (germline): Uncertain significance (1 of 4 stars; one submission).

Conditions:
ATP10A-related disorder. Also called: ATP10A-related condition.

Submission:

PreventionGenetics, part of Exact Sciences
Classification: Uncertain significance for ATP10A-related condition. Last evaluated: 2025-11-18. Review status: criteria provided, single submitter. Criteria: ACMG Guidelines, 2015. Collection method: clinical testing. Allele origin: germline.
Comment: The ATP10A c.2956A>T variant is predicted to result in the amino acid substitution p.Asn986Tyr. To our knowledge, this variant has not been reported in the literature or in a large population database, indicating this variant is rare. At this time, the clinical significance of this variant is uncertain due to the absence of conclusive functional and genetic evidence.